The following is an entry in ClinVar:

NC_000016.9:g.(?_68842321)_(68867407_?)del

Gene: CDH1 (cadherin 1; plus strand). Cytogenetic location: 16q22.1.
Variant type: Deletion.
Identifiers: ClinVar variation 463689 (VCV000463689.10).

ClinVar aggregate classification (germline): Pathogenic (1 of 4 stars; one submission).

Conditions:
Hereditary diffuse gastric adenocarcinoma (HDGC). Also called: DIFFUSE GASTRIC AND LOBULAR BREAST CANCER SYNDROME. Identifiers: Orphanet 26106, MedGen C1708349, MONDO:0007648, OMIM 137215.

Submission:

Labcorp Genetics (formerly Invitae), Labcorp
Classification: Pathogenic for Hereditary diffuse gastric adenocarcinoma. Last evaluated: 2022-02-20. Review status: criteria provided, single submitter. Criteria: Invitae Variant Classification Sherloc (09022015). Collection method: clinical testing. Allele origin: germline.
Comment: This variant has not been reported in the literature in individuals affected with CDH1-related conditions. This variant is a gross deletion of the genomic region encompassing exon(s) 4-16 of the CDH1 gene, which includes the termination codon. This deletion extends beyond the assayed region for this gene and therefore may encompass additional genes. While this deletion is not anticipated to lead to nonsense mediated decay, it is expected to alter mRNA translation or result in a truncated protein product. The region of the CDH1 gene that includes exon(s) 16 has been determined to be clinically significant (PMID: 19168852, 24037103). Therefore, deletions that encompass that region are likely to be disease-causing. For these reasons, this variant has been classified as Pathogenic.

Literature cited by the submitters: PubMed 19168852; PubMed 24037103.